The following is an entry in ClinVar:

ClinVar aggregate classification (germline): Uncertain significance. Review status: criteria provided, multiple submitters, no conflicts (2 of 4 stars). 5 submissions from 5 submitters: Uncertain significance (5). Last evaluated 2026-09-05.

Conditions:
King Denborough syndrome (KDS). Identifiers: MedGen C1840365, MONDO:0020485, OMIM 619542.
Central core myopathy (CMYO1A). Also called: CONGENITAL MYOPATHY 1A, AUTOSOMAL DOMINANT, WITH SUSCEPTIBILITY TO MALIGNANT HYPERTHERMIA; Central core disease; Myopathy, central fibrillar. Identifiers: Orphanet 597, MedGen C5830701, MONDO:0007294, OMIM 117000.
Malignant hyperthermia, susceptibility to, 1 (MHS1). Also called: Anesthesia related hyperthermia; Malignant hyperpyrexia; Fulminating hyperpyrexia; Pharmacogenic myopathy; Malignant hyperthermia suceptibility 1; RYR1-Related Malignant Hyperthermia Susceptibility. Identifiers: Orphanet 423, MedGen C2930980, MONDO:0007783, OMIM 145600.
Congenital multicore myopathy with external ophthalmoplegia (CMYO1B). Also called: Minicore myopathy with external ophthalmoplegia; Congenital myopathy 1B, autosomal recessive; Minicore myopathy; MULTICORE MYOPATHY; MULTIMINICORE DISEASE WITH EXTERNAL OPHTHALMOPLEGIA. Identifiers: Orphanet 598, Orphanet 98905, MedGen C1850674, MONDO:0009712, OMIM 255320, HP:0003789.
Congenital myopathy with fiber type disproportion. Also called: Congenital fiber-type disproportion myopathy; Congenital fiber-type disproportion. Identifiers: Orphanet 2020, MedGen C0546264, MONDO:0009711. Inheritance: all.
RYR1-related disorder. Also called: RYR1-related condition; RYR1-related disorders. Identifiers: MedGen CN239331.

Allele frequency attached by ClinVar (database versions not stated): gnomAD exomes 0.00001 and 0.00003; TOPMed 0.00001; ExAC 0.00004; gnomAD 0.00001.
gnomAD v4.1: 16 of 1,569,210 alleles (0.001%); highest among the groups gnomAD compares: South Asian, 0.0035%; no homozygotes.

Submissions (5):

GeneDx
Classification: Uncertain significance. Last evaluated: 2026-09-05. Review status: criteria provided, single submitter. Criteria: GeneDx Variant Classification Process June 2021. Collection method: clinical testing. Allele origin: germline.
Comment: Reported in an individual with myopathy and dysmorphic features who harbored a second variant of uncertain significance in RYR1 in unknown phase (PMID: 31165076); In silico analysis suggests that this missense variant does not alter protein structure/function; Not observed at significant frequency in large population cohorts (gnomAD); This variant is associated with the following publications: (PMID: 31165076, 34426522, 37937776)

Labcorp Genetics (formerly Invitae), Labcorp
Classification: Uncertain significance for RYR1-related disorder. Last evaluated: 2025-07-13. Review status: criteria provided, single submitter. Criteria: Invitae Variant Classification Sherloc (09022015). Collection method: clinical testing. Allele origin: germline.
Comment: This sequence change replaces arginine, which is basic and polar, with cysteine, which is neutral and slightly polar, at codon 1335 of the RYR1 protein (p.Arg1335Cys). The frequency data for this variant in the population databases is considered unreliable, as metrics indicate poor data quality at this position in the gnomAD database. This missense change has been observed in individual(s) with clinical features of RYR1-related conditions and/or myopathy (PMID: 31165076, 37937776). ClinVar contains an entry for this variant (Variation ID: 1001143). Invitae Evidence Modeling of protein sequence and biophysical properties (such as structural, functional, and spatial information, amino acid conservation, physicochemical variation, residue mobility, and thermodynamic stability) indicates that this missense variant is not expected to disrupt RYR1 protein function with a negative predictive value of 95%. In summary, the available evidence is currently insufficient to determine the role of this variant in disease. Therefore, it has been classified as a Variant of Uncertain Significance.

All of Us Research Program, National Institutes of Health
Classification: Uncertain significance for Malignant hyperthermia, susceptibility to, 1. Last evaluated: 2024-07-02. Review status: criteria provided, single submitter. Criteria: ACMG Guidelines, 2015. Collection method: clinical testing. Allele origin: germline. Inheritance: Autosomal dominant inheritance. Observed: 4 variant alleles, 4 heterozygotes.
Comment: This missense variant replaces arginine with cysteine at codon 1335 of the RYR1 protein. Computational prediction suggests that this variant may not impact protein structure and function (internally defined REVEL score threshold <= 0.5, PMID: 27666373). To our knowledge, functional studies have not been reported for this variant. This variant has not been reported in individuals affected with autosomal dominant malignant hyperthermia in the literature, although it is associated with other phenotype(s) (ClinVar variation ID: 1001143; PMID: 31165076). This variant has been identified in 5/169186 chromosomes in the general population by the Genome Aggregation Database (gnomAD). Due to insufficient evidence, this variant is classified as a Variant of Uncertain Significance for autosomal dominant malignant hyperthermia.

This study involves interpretation of variants in research participants for the purpose of population health screening. Participant phenotype was not available at the time of variant classification. Additional details can be found in publication PMID: 35346344, PMCID: PMC8962531

Breda Genetics srl
Classification: Uncertain significance for Central core myopathy. Last evaluated: 2022-05-17. Review status: criteria provided, single submitter. Criteria: ACMG Guidelines, 2015. Collection method: clinical testing. Allele origin: germline. Inheritance: Autosomal dominant inheritance. Affected: yes. Observed: 1 variant allele, 1 heterozygote.
Comment: The variant c.4003C>T (p.Arg1335Cys) in the RYR1 gene is reported with uncertain significance for RYR1-related disorders in ClinVar (Variation ID: 1001143). The variant is reported with an estimated allele frequency of 0.00002955 in gnomAD exomes with no homozygous individuals reported. The nucleotide position is moderately conserved across 35 mammalian species (GERP RS: 2.78). In silico analysis gives inconsistent results.

Fulgent Genetics
Classification: Uncertain significance for Central core myopathy; Malignant hyperthermia, susceptibility to, 1; Congenital myopathy 4A, autosomal dominant; Congenital multicore myopathy with external ophthalmoplegia; King Denborough syndrome. Last evaluated: 2022-01-28. Review status: criteria provided, single submitter. Criteria: ACMG Guidelines, 2015. Collection method: clinical testing. Allele origin: unknown.

Literature cited by the submitters: PubMed 31165076 (cited by Labcorp Genetics (formerly Invitae), Labcorp and All of Us Research Program, National Institutes of Health); PubMed 37937776 (cited by Labcorp Genetics (formerly Invitae), Labcorp).

NM_000540.3(RYR1):c.4003C>T (p.Arg1335Cys)

Gene: RYR1 (ryanodine receptor 1; plus strand). Cytogenetic location: 19q13.2.
Variant type: single nucleotide variant.
Coding change: c.4003C>T on transcript NM_000540.3 (MANE Select); coding-DNA position 4003, C replaced by T.
Protein change: p.Arg1335Cys; replaces arginine 1335 with cysteine.
Molecular consequence: missense variant.
Genome position (GRCh38, 1-based): chr19:38,473,614, C>T. VCF-style: chr19-38473614-C-T. GRCh37 (hg19) VCF-style: chr19-38964254-C-T.
Other names: c.4003C>T, p.Arg1335Cys (NM_001042723.2); short protein forms R1335C.
Identifiers: ClinVar variation 1001143 (VCV001001143.13), dbSNP rs767382534, ClinGen allele CA065469.
Genomic context (GRCh38, chr19:38,473,614, plus strand): 5'-CAGCCCCCCGCCGAGGACGAGGCCCGGGCGGCGGAACCCGACCCTGACTACGAAAACCTG[C>T]GCCGCTCAGCTGGGGGCTGGAGCGAGGCAGAGAACGGCAAAGAAGGGACTGCGAAGGAGG-3'
Protein context (NP_000531.2, residues 1325-1345): AEPDPDYENL[Arg1335Cys]RSAGGWSEAE